The following is an entry in ClinVar:

NM_015175.3(NBEAL2):c.5662C>G (p.Pro1888Ala)

Gene: NBEAL2 (neurobeachin like 2; plus strand). Cytogenetic location: 3p21.31.
Variant type: single nucleotide variant.
Coding change: c.5662C>G on transcript NM_015175.3 (MANE Select); coding-DNA position 5662, C replaced by G.
Protein change: p.Pro1888Ala; replaces proline 1888 with alanine.
Molecular consequence: missense variant.
Genome position (GRCh38, 1-based): chr3:47,003,251, C>G. VCF-style: chr3-47003251-C-G. GRCh37 (hg19) VCF-style: chr3-47044741-C-G.
Other names: c.5560C>G, p.Pro1854Ala (NM_001365116.2); short protein forms P1854A, P1888A.
Identifiers: ClinVar variation 901567 (VCV000901567.14), dbSNP rs200641534, ClinGen allele CA2361618.

ClinVar aggregate classification (germline): Likely benign. Review status: criteria provided, multiple submitters, no conflicts (2 of 4 stars). 4 submissions from 4 submitters: Likely benign (4). Last evaluated 2025-10-01.

Conditions:
Gray platelet syndrome (GPS). Also called: BLEEDING DISORDER, PLATELET-TYPE, 4. Identifiers: Orphanet 721, MedGen C0272302, MONDO:0007686, OMIM 139090.

Allele frequency attached by ClinVar (database versions not stated): gnomAD 0.00019 and 0.00052; TOPMed 0.00024; 1000 Genomes Project 30x 0.00047; 1000 Genomes Project 0.00060; gnomAD exomes 0.00078 and 0.00138; ExAC 0.00163.
gnomAD v4.1: 1,223 of 1,613,218 alleles (0.076%); highest among the groups gnomAD compares: South Asian, 0.99%; 20 homozygotes.

Submissions (4):

CeGaT Center for Human Genetics Tuebingen
Classification: Likely benign. Last evaluated: 2025-10-01. Review status: criteria provided, single submitter. Criteria: CeGaT Center For Human Genetics Tuebingen Variant Classification Criteria Version 2. Collection method: clinical testing. Allele origin: germline. Affected: yes. Observed: 1 variant allele.
Comment: NBEAL2: BP4, BS2

Genetic Services Laboratory, University of Chicago
Classification: Likely benign. Last evaluated: 2021-11-22. Review status: criteria provided, single submitter. Criteria: ACMG Guidelines, 2015. Collection method: clinical testing. Allele origin: germline. Affected: no.

Illumina Laboratory Services, Illumina
Classification: Likely benign for Gray platelet syndrome. Last evaluated: 2018-01-13. Review status: criteria provided, single submitter. Criteria: ICSL Variant Classification Criteria 13 December 2019. Collection method: clinical testing. Allele origin: germline.
Comment: This variant was observed in the ICSL laboratory as part of a predisposition screen in an ostensibly healthy population. It had not been previously curated by ICSL or reported in the Human Gene Mutation Database (HGMD: prior to June 1st, 2018), and was therefore a candidate for classification through an automated scoring system. Utilizing variant allele frequency, disease prevalence and penetrance estimates, and inheritance mode, an automated score was calculated to assess if this variant is too frequent to cause the disease. Based on the score and internal cut-off values, a variant classified as likely benign is not then subjected to further curation. The score for this variant resulted in a classification of likely benign for this disease.

Breakthrough Genomics
Classification: Likely benign. Review status: criteria provided, single submitter. Criteria: ACMG Guidelines, 2015. Collection method: not provided. Allele origin: germline. Inheritance: Autosomal recessive inheritance. Affected: yes.